The following is an entry in ClinVar:

ClinVar aggregate classification (germline): Conflicting classifications of pathogenicity. Review status: criteria provided, conflicting classifications (1 of 4 stars). 2 submissions from 2 submitters: Uncertain significance (1); Likely benign (1). Last evaluated 2024-07-30.

Submissions (2):

Greenwood Genetic Center Diagnostic Laboratories, Greenwood Genetic Center
Classification: Uncertain significance. Last evaluated: 2024-07-30. Review status: criteria provided, single submitter. Criteria: ACMG Guidelines, 2015. Collection method: clinical testing. Allele origin: germline. Affected: yes.
Comment: PM2, BP4, PP2

Labcorp Genetics (formerly Invitae), Labcorp
Classification: Likely benign. Last evaluated: 2022-07-12. Review status: criteria provided, single submitter. Criteria: Invitae Variant Classification Sherloc (09022015). Collection method: clinical testing. Allele origin: germline.

NM_001042424.3(NSD2):c.1069C>T (p.Pro357Ser)

Gene: NSD2 (nuclear receptor binding SET domain protein 2; plus strand). Cytogenetic location: 4p16.3.
Variant type: single nucleotide variant.
Coding change: c.1069C>T on transcript NM_001042424.3 (MANE Select); coding-DNA position 1069, C replaced by T.
Protein change: p.Pro357Ser; replaces proline 357 with serine.
Molecular consequence: missense variant.
Genome position (GRCh38, 1-based): chr4:1,918,282, C>T. VCF-style: chr4-1918282-C-T. GRCh37 (hg19) VCF-style: chr4-1920009-C-T.
Other names: c.1069C>T, p.Pro357Ser (NM_007331.2, NM_133330.3, NM_133331.3 and 2 more transcripts); short protein forms P357S.
Identifiers: ClinVar variation 1680164 (VCV001680164.9), dbSNP rs2108804497, ClinGen allele CA356004979.